The following is an entry in ClinVar:

NM_004360.5(CDH1):c.664A>G (p.Arg222Gly)

Gene: CDH1 (cadherin 1; plus strand). Cytogenetic location: 16q22.1.
Variant type: single nucleotide variant.
Coding change: c.664A>G on transcript NM_004360.5 (MANE Select); coding-DNA position 664, A replaced by G.
Protein change: p.Arg222Gly; replaces arginine 222 with glycine.
Molecular consequence: missense variant. On other transcripts: 5 prime UTR variant (2).
Genome position (GRCh38, 1-based): chr16:68,808,825, A>G. VCF-style: chr16-68808825-A-G. GRCh37 (hg19) VCF-style: chr16-68842728-A-G.
Other names: c.664A>G, p.Arg222Gly (NM_001317184.2); c.-952A>G (NM_001317185.2); c.-1156A>G (NM_001317186.2); short protein forms R222G.
Identifiers: ClinVar variation 3719180 (VCV003719180.2).

ClinVar aggregate classification (germline): Uncertain significance (1 of 4 stars; one submission).

Conditions:
Hereditary diffuse gastric adenocarcinoma (HDGC). Also called: DIFFUSE GASTRIC AND LOBULAR BREAST CANCER SYNDROME. Identifiers: Orphanet 26106, MedGen C1708349, MONDO:0007648, OMIM 137215.

Submission:

Labcorp Genetics (formerly Invitae), Labcorp
Classification: Uncertain significance for Hereditary diffuse gastric adenocarcinoma. Last evaluated: 2024-03-19. Review status: criteria provided, single submitter. Criteria: Invitae Variant Classification Sherloc (09022015). Collection method: clinical testing. Allele origin: germline.
Comment: This sequence change replaces arginine, which is basic and polar, with glycine, which is neutral and non-polar, at codon 222 of the CDH1 protein (p.Arg222Gly). This variant is not present in population databases (gnomAD no frequency). This variant has not been reported in the literature in individuals affected with CDH1-related conditions. An algorithm developed to predict the effect of missense changes on protein structure and function (PolyPhen-2) suggests that this variant is likely to be disruptive. In summary, the available evidence is currently insufficient to determine the role of this variant in disease. Therefore, it has been classified as a Variant of Uncertain Significance.